The following is an entry in ClinVar:

ClinVar aggregate classification (germline): Uncertain significance. Review status: criteria provided, multiple submitters, no conflicts (2 of 4 stars). 2 submissions from 2 submitters: Uncertain significance (2). Last evaluated 2025-12-24.

Allele frequency attached by ClinVar (database versions not stated): 1000 Genomes Project 0.00040; TOPMed 0.00007; gnomAD 0.00009; 1000 Genomes Project 30x 0.00031.
gnomAD v4.1: 102 of 1,599,540 alleles (0.0064%); highest among the groups gnomAD compares: East Asian, 0.029%; no homozygotes.

Submissions (2):

Women's Health and Genetics/Laboratory Corporation of America, LabCorp
Classification: Uncertain significance. Last evaluated: 2025-12-24. Review status: criteria provided, single submitter. Criteria: LabCorp Variant Classification Summary - May 2015. Collection method: clinical testing. Allele origin: germline.
Comment: Variant summary: SLC34A3 c.1142C>T (p.Ala381Val) results in a non-conservative amino acid change in the encoded protein sequence. Algorithms developed to predict the effect of missense changes on protein structure and function are either unavailable or do not agree on the potential impact of this missense change. The variant allele was found at a frequency of 4.9e-05 in 225436 control chromosomes. This frequency is not significantly higher than estimated for disease-causing variants in SLC34A3, allowing no conclusion about variant significance. To our knowledge, no occurrence of c.1142C>T in individuals affected with SLC34A3-related conditions and no experimental evidence demonstrating its impact on protein function have been reported. ClinVar contains an entry for this variant (Variation ID: 2078543). Based on the evidence outlined above, the variant was classified as uncertain significance.

Labcorp Genetics (formerly Invitae), Labcorp
Classification: Uncertain significance. Last evaluated: 2022-08-03. Review status: criteria provided, single submitter. Criteria: Invitae Variant Classification Sherloc (09022015). Collection method: clinical testing. Allele origin: germline.
Comment: In summary, the available evidence is currently insufficient to determine the role of this variant in disease. Therefore, it has been classified as a Variant of Uncertain Significance. Algorithms developed to predict the effect of missense changes on protein structure and function output the following: SIFT: "Tolerated"; PolyPhen-2: "Benign"; Align-GVGD: "Class C0". The valine amino acid residue is found in multiple mammalian species, which suggests that this missense change does not adversely affect protein function. This variant has not been reported in the literature in individuals affected with SLC34A3-related conditions. This variant is present in population databases (rs374826755, gnomAD 0.04%). This sequence change replaces alanine, which is neutral and non-polar, with valine, which is neutral and non-polar, at codon 381 of the SLC34A3 protein (p.Ala381Val).

NM_001177316.2(SLC34A3):c.1142C>T (p.Ala381Val)

Gene: SLC34A3 (solute carrier family 34 member 3; plus strand). Cytogenetic location: 9q34.3.
Variant type: single nucleotide variant.
Coding change: c.1142C>T on transcript NM_001177316.2 (MANE Select); coding-DNA position 1142, C replaced by T.
Protein change: p.Ala381Val; replaces alanine 381 with valine.
Molecular consequence: missense variant.
Genome position (GRCh38, 1-based): chr9:137,234,464, C>T. VCF-style: chr9-137234464-C-T. GRCh37 (hg19) VCF-style: chr9-140128916-C-T.
Other names: c.1142C>T, p.Ala381Val (NM_001177317.2, NM_080877.3); short protein forms A381V.
Identifiers: ClinVar variation 2078543 (VCV002078543.4), dbSNP rs374826755, ClinGen allele CA5364812.